The following is an entry in ClinVar:

ClinVar aggregate classification (germline): Uncertain significance. Review status: criteria provided, multiple submitters, no conflicts (2 of 4 stars). 2 submissions from 2 submitters: Uncertain significance (2). Last evaluated 2025-06-15.

Conditions:
Inborn genetic diseases. Identifiers: MedGen C0950123, MeSH D030342.
Fibrous dysplasia of jaw (CRBM). Also called: Cherubism. Identifiers: Orphanet 184, MedGen C0008029, MONDO:0007315, OMIM 118400.

Allele frequency attached by ClinVar (database versions not stated): gnomAD 0.00001; gnomAD exomes 0.00001 and 0.00004; TOPMed 0.00001.

Submissions (2):

Labcorp Genetics (formerly Invitae), Labcorp
Classification: Uncertain significance for Fibrous dysplasia of jaw. Last evaluated: 2025-06-15. Review status: criteria provided, single submitter. Criteria: Invitae Variant Classification Sherloc (09022015). Collection method: clinical testing. Allele origin: germline.
Comment: This sequence change replaces aspartic acid, which is acidic and polar, with glycine, which is neutral and non-polar, at codon 366 of the SH3BP2 protein (p.Asp366Gly). This variant is present in population databases (no rsID available, gnomAD 0.004%). This variant has not been reported in the literature in individuals affected with SH3BP2-related conditions. ClinVar contains an entry for this variant (Variation ID: 1042969). An algorithm developed to predict the effect of missense changes on protein structure and function outputs the following: PolyPhen-2: "Benign". The glycine amino acid residue is found in multiple mammalian species, which suggests that this missense change does not adversely affect protein function. In summary, the available evidence is currently insufficient to determine the role of this variant in disease. Therefore, it has been classified as a Variant of Uncertain Significance.

Ambry Genetics
Classification: Uncertain significance for Inborn genetic diseases. Last evaluated: 2025-04-25. Review status: criteria provided, single submitter. Criteria: Ambry Variant Classification Scheme 2023. Collection method: clinical testing. Allele origin: germline.

NM_001122681.2(SH3BP2):c.1097A>G (p.Asp366Gly)

Gene: SH3BP2 (SH3 domain binding protein 2; plus strand). Cytogenetic location: 4p16.3.
Variant type: single nucleotide variant.
Coding change: c.1097A>G on transcript NM_001122681.2 (MANE Select); coding-DNA position 1097, A replaced by G.
Protein change: p.Asp366Gly; replaces aspartic acid 366 with glycine.
Molecular consequence: missense variant.
Genome position (GRCh38, 1-based): chr4:2,830,003, A>G. VCF-style: chr4-2830003-A-G. GRCh37 (hg19) VCF-style: chr4-2831730-A-G.
Other names: c.1181A>G, p.Asp394Gly (NM_001145855.2); c.1268A>G, p.Asp423Gly (NM_001145856.2); c.1097A>G, p.Asp366Gly (NM_003023.4); short protein forms D394G, D366G, D423G.
Identifiers: ClinVar variation 1042969 (VCV001042969.10), dbSNP rs1453717053, ClinGen allele CA356057112.
Genomic context (GRCh38, chr4:2,830,003, plus strand): 5'-CATCTGAGCCCCCACCTGTGCCAGCCAACAAGCCCAAGTTCCTGAAGATAGCTGAAGAGG[A>G]CCCCCCAAGGGAGGCAGCCATGCCCGGACTCTTTGTGCCCCCCGTGGCTCCCCGGCCTCC-3'
Protein context (NP_001116153.1, residues 356-376): KPKFLKIAEE[Asp366Gly]PPREAAMPGL